The following is an entry in ClinVar:

NM_000059.4(BRCA2):c.6323G>C (p.Arg2108Pro)

Gene: BRCA2 (BRCA2 DNA repair associated; plus strand). Cytogenetic location: 13q13.1.
Variant type: single nucleotide variant.
Coding change: c.6323G>C on transcript NM_000059.4 (MANE Select); coding-DNA position 6323, G replaced by C.
Protein change: p.Arg2108Pro; replaces arginine 2108 with proline.
Molecular consequence: missense variant.
Genome position (GRCh38, 1-based): chr13:32,340,678, G>C. VCF-style: chr13-32340678-G-C. GRCh37 (hg19) VCF-style: chr13-32914815-G-C.
Other names: short protein forms R2108P.
Identifiers: ClinVar variation 958675 (VCV000958675.15), dbSNP rs35029074, ClinGen allele CA387789068.

ClinVar aggregate classification (germline): Conflicting classifications of pathogenicity. Review status: criteria provided, conflicting classifications (1 of 4 stars). 5 submissions from 5 submitters: Uncertain significance (3); Likely benign (2). Last evaluated 2025-05-05.

Conditions:
Hereditary cancer-predisposing syndrome. Also called: Hereditary neoplastic syndrome; Neoplastic Syndromes, Hereditary; Hereditary Cancer Syndrome; Tumor predisposition. Identifiers: Orphanet 140162, MedGen C0027672, MeSH D009386, MONDO:0015356.
Hereditary breast ovarian cancer syndrome. Also called: Hereditary breast and ovarian cancer syndrome; BRCA1- and BRCA2-Associated Hereditary Breast and Ovarian Cancer; Hereditary breast and/or ovarian cancer syndrome; Hereditary breast and ovarian cancer syndrome (HBOC); Hereditary breast and ovarian cancer; Breast and ovarian cancer. Identifiers: Orphanet 145, MedGen C0677776, MeSH D061325, MONDO:0003582. Disease mechanism: loss of function.
Breast-ovarian cancer, familial, susceptibility to, 2 (BROVCA2). Also called: BRCA2 Hereditary Breast and Ovarian Cancer. Identifiers: Orphanet 145, MedGen C2675520, MONDO:0012933, OMIM 612555. Disease mechanism: loss of function.

gnomAD v4.1: 1 of 1,608,968 alleles (0.000062%); highest among the groups gnomAD compares: Non-Finnish European, 0.000085%; no homozygotes.

Submissions (5):

Dasa
Classification: Uncertain significance for Breast-ovarian cancer, familial, susceptibility to, 2. Last evaluated: 2025-05-05. Review status: criteria provided, single submitter. Criteria: DASA Assertion Criteria. Collection method: clinical testing. Allele origin: germline.
Comment: NM_000059.4(BRCA2):c.6323G>C (p.Arg2108Pro) is a missense variant that results in the substitution of arginine with proline. This variant is rare in population databases. The currently available literature and clinical evidence are not sufficient to establish a definitive association between this variant and the reported condition. Therefore, this variant is classified as a variant of uncertain significance.

Ambry Genetics
Classification: Likely benign for Hereditary cancer-predisposing syndrome. Last evaluated: 2025-04-30. Review status: criteria provided, single submitter. Criteria: Ambry Variant Classification Scheme 2023. Collection method: clinical testing. Allele origin: germline.

Labcorp Genetics (formerly Invitae), Labcorp
Classification: Uncertain significance for Hereditary breast ovarian cancer syndrome. Last evaluated: 2024-10-07. Review status: criteria provided, single submitter. Criteria: Invitae Variant Classification Sherloc (09022015). Collection method: clinical testing. Allele origin: germline.
Comment: This sequence change replaces arginine, which is basic and polar, with proline, which is neutral and non-polar, at codon 2108 of the BRCA2 protein (p.Arg2108Pro). This variant is not present in population databases (gnomAD no frequency). This variant has not been reported in the literature in individuals affected with BRCA2-related conditions. ClinVar contains an entry for this variant (Variation ID: 958675). Invitae Evidence Modeling of protein sequence and biophysical properties (such as structural, functional, and spatial information, amino acid conservation, physicochemical variation, residue mobility, and thermodynamic stability) indicates that this missense variant is not expected to disrupt BRCA2 protein function with a negative predictive value of 95%. In summary, the available evidence is currently insufficient to determine the role of this variant in disease. Therefore, it has been classified as a Variant of Uncertain Significance.

Color Diagnostics, LLC DBA Color Health
Classification: Uncertain significance for Hereditary cancer-predisposing syndrome. Last evaluated: 2024-09-17. Review status: criteria provided, single submitter. Criteria: ACMG Guidelines, 2015. Collection method: clinical testing. Allele origin: germline.
Comment: This missense variant replaces arginine with proline at codon 2108 of the BRCA2 protein. Computational prediction suggests that this variant may not impact protein structure and function. To our knowledge, functional studies have not been reported for this variant. This variant has not been reported in individuals affected with BRCA2-related disorders in the literature. This variant has not been identified in the general population by the Genome Aggregation Database (gnomAD). The available evidence is insufficient to determine the role of this variant in disease conclusively. Therefore, this variant is classified as a Variant of Uncertain Significance.

University of Washington Department of Laboratory Medicine, University of Washington
Classification: Likely benign for Hereditary cancer-predisposing syndrome. Last evaluated: 2023-03-23. Review status: criteria provided, single submitter. Criteria: Dines et al. (Genet Med. 2020). Collection method: curation. Allele origin: germline.
Comment: Missense variant in a coldspot region where missense variants are very unlikely to be pathogenic (PMID:31911673).

BRCA2 exon 11 coldspot. Reclassification based on statistical prior probability.